The following is an entry in ClinVar:

ClinVar aggregate classification (germline): Uncertain significance (1 of 4 stars; one submission).

Allele frequency attached by ClinVar (database versions not stated): gnomAD 0.00001; TOPMed 0.00004; 1000 Genomes Project 30x 0.00016.
gnomAD v4.1: 9 of 1,518,226 alleles (0.00059%); highest among the groups gnomAD compares: East Asian, 0.018%; no homozygotes.

Submission:

Labcorp Genetics (formerly Invitae), Labcorp
Classification: Uncertain significance. Last evaluated: 2022-07-16. Review status: criteria provided, single submitter. Criteria: Invitae Variant Classification Sherloc (09022015). Collection method: clinical testing. Allele origin: germline.
Comment: This sequence change replaces alanine, which is neutral and non-polar, with valine, which is neutral and non-polar, at codon 53 of the RETREG1 protein (p.Ala53Val). The frequency data for this variant in the population databases is considered unreliable, as metrics indicate poor data quality at this position in the gnomAD database. This variant has not been reported in the literature in individuals affected with RETREG1-related conditions. Algorithms developed to predict the effect of missense changes on protein structure and function are either unavailable or do not agree on the potential impact of this missense change (SIFT: "Tolerated"; PolyPhen-2: "Not Available"; Align-GVGD: "Class C0"). In summary, the available evidence is currently insufficient to determine the role of this variant in disease. Therefore, it has been classified as a Variant of Uncertain Significance.

NM_001034850.3(RETREG1):c.158C>T (p.Ala53Val)

Genes: RETREG1 (reticulophagy regulator 1; minus strand), RETREG1-AS1 (RETREG1 antisense RNA 1; plus strand), LOC129993734 (ATAC-STARR-seq lymphoblastoid silent region 15947; plus strand). Cytogenetic location: 5p15.1.
Variant type: single nucleotide variant.
Coding change: c.158C>T on transcript NM_001034850.3 (MANE Select); coding-DNA position 158, C replaced by T.
Protein change: p.Ala53Val; replaces alanine 53 with valine.
Molecular consequence: missense variant.
Genome position (GRCh38, 1-based): chr5:16,616,814, G>A on the plus strand (C>T on the coding strand, the complement: RETREG1 is on the minus strand). VCF-style: chr5-16616814-G-A. GRCh37 (hg19) VCF-style: chr5-16616923-G-A.
Other names: short protein forms A53V.
Identifiers: ClinVar variation 1934304 (VCV001934304.2), dbSNP rs1313056871, ClinGen allele CA359292889.